The following is an entry in ClinVar:

ClinVar aggregate classification (germline): Likely benign. Review status: criteria provided, multiple submitters, no conflicts (2 of 4 stars). 2 submissions from 2 submitters: Likely benign (2). Last evaluated 2018-08-15.

Conditions:
Hereditary spastic paraplegia 7 (SPG7). Also called: SPG7-related neurologic disorder; Autosomal recessive spastic paraplegia type 7; SPASTIC PARAPLEGIA 7, AUTOSOMAL RECESSIVE, WITH OR WITHOUT CEREBELLAR ATAXIA; Spastic paraplegia 7; Hereditary spastic paraplegia Paraplegin type. Identifiers: Orphanet 99013, MedGen C1846564, MONDO:0011803, OMIM 607259.

Allele frequency attached by ClinVar (database versions not stated): gnomAD exomes 0.00115; gnomAD 0.01038 and 0.01110; TOPMed 0.01234; 1000 Genomes Project 0.01278; 1000 Genomes Project 30x 0.01280.
gnomAD v4.1: 2,158 of 631,490 alleles (0.34%); highest among the groups gnomAD compares: African/African-American, 3.6%; 36 homozygotes.

Submissions (2):

GeneDx
Classification: Likely benign. Last evaluated: 2018-08-15. Review status: criteria provided, single submitter. Criteria: GeneDx Variant Classification Process June 2021. Collection method: clinical testing. Allele origin: germline. Affected: yes.

Illumina Laboratory Services, Illumina
Classification: Likely benign for Hereditary spastic paraplegia 7. Last evaluated: 2018-01-12. Review status: criteria provided, single submitter. Criteria: ICSL Variant Classification Criteria 13 December 2019. Collection method: clinical testing. Allele origin: germline.
Comment: This variant was observed in the ICSL laboratory as part of a predisposition screen in an ostensibly healthy population. It had not been previously curated by ICSL or reported in the Human Gene Mutation Database (HGMD: prior to June 1st, 2018), and was therefore a candidate for classification through an automated scoring system. Utilizing variant allele frequency, disease prevalence and penetrance estimates, and inheritance mode, an automated score was calculated to assess if this variant is too frequent to cause the disease. Based on the score and internal cut-off values, a variant classified as likely benign is not then subjected to further curation. The score for this variant resulted in a classification of likely benign for this disease.

NM_003119.4(SPG7):c.*140G>T

Gene: SPG7 (SPG7 matrix AAA peptidase subunit, paraplegin; plus strand). Cytogenetic location: 16q24.3.
Variant type: single nucleotide variant.
Coding change: c.*140G>T on transcript NM_003119.4 (MANE Select); 140 bases downstream of the stop codon, G replaced by T.
Molecular consequence: 3 prime UTR variant.
Genome position (GRCh38, 1-based): chr16:89,557,233, G>T. VCF-style: chr16-89557233-G-T. GRCh37 (hg19) VCF-style: chr16-89623641-G-T.
Other names: c.*306G>T (NM_001363850.1).
Identifiers: ClinVar variation 321292 (VCV000321292.8), dbSNP rs112587045, ClinGen allele CA10649293.